The following is an entry in ClinVar:

ClinVar aggregate classification (germline): Likely benign. Review status: criteria provided, single submitter (1 of 4 stars). 2 submissions from 2 submitters: Likely benign (1). 1 of the submissions does not count toward it. Last evaluated 2025-12-08.

Conditions:
ACOX2-related disorder. Also called: ACOX2-related condition.

Allele frequency attached by ClinVar (database versions not stated): ESP Exome Variant Server 0.00008; TOPMed 0.00008.

Submissions (2):

Labcorp Genetics (formerly Invitae), Labcorp
Classification: Likely benign. Last evaluated: 2025-12-08. Review status: criteria provided, single submitter. Criteria: Invitae Variant Classification Sherloc (09022015). Collection method: clinical testing. Allele origin: germline.

PreventionGenetics, part of Exact Sciences
Classification: Likely benign for ACOX2-related condition. Last evaluated: 2024-08-09. Review status: no assertion criteria provided. Collection method: clinical testing. Allele origin: germline. Not counted in ClinVar's aggregate classification.
Comment: This variant is classified as likely benign based on ACMG/AMP sequence variant interpretation guidelines (Richards et al. 2015 PMID: 25741868, with internal and published modifications).

NM_003500.4(ACOX2):c.1983+7G>C

Gene: ACOX2 (acyl-CoA oxidase 2; minus strand). Cytogenetic location: 3p14.3.
Variant type: single nucleotide variant.
Coding change: c.1983+7G>C on transcript NM_003500.4 (MANE Select); 7 bases into the intron after coding-DNA position 1983, G replaced by C.
Molecular consequence: intron variant.
Genome position (GRCh38, 1-based): chr3:58,508,886, C>G on the plus strand (G>C on the coding strand, the complement: ACOX2 is on the minus strand). VCF-style: chr3-58508886-C-G. GRCh37 (hg19) VCF-style: chr3-58494613-C-G.
Identifiers: ClinVar variation 721583 (VCV000721583.8), dbSNP rs187194712, ClinGen allele CA2471878.
Genomic context (GRCh38, chr3:58,508,886, plus strand): 5'-ATGAAGGTGTATTCACTGCCTGTTCTCTGCTTTCTTACATAATTTATAATGTGTTCCACT[C>G]AACTACCTGAGTATTGGTTGGTGACTTCTGAGCCCACTGGAACAGGCGTTCGTAGACGTT-3'